The following is an entry in ClinVar:

NM_020461.4(TUBGCP6):c.5161G>A (p.Val1721Ile)

Gene: TUBGCP6 (tubulin gamma complex component 6; minus strand). Cytogenetic location: 22q13.33.
Variant type: single nucleotide variant.
Coding change: c.5161G>A on transcript NM_020461.4 (MANE Select); coding-DNA position 5161, G replaced by A.
Protein change: p.Val1721Ile; replaces valine 1721 with isoleucine.
Molecular consequence: missense variant.
Genome position (GRCh38, 1-based): chr22:50,218,196, C>T on the plus strand (G>A on the coding strand, the complement: TUBGCP6 is on the minus strand). VCF-style: chr22-50218196-C-T. GRCh37 (hg19) VCF-style: chr22-50656625-C-T.
Other names: short protein forms V1721I.
Identifiers: ClinVar variation 212514 (VCV000212514.11), dbSNP rs377506638, ClinGen allele CA207049.

ClinVar aggregate classification (germline): Uncertain significance. Review status: criteria provided, multiple submitters, no conflicts (2 of 4 stars). 3 submissions from 3 submitters: Uncertain significance (3). Last evaluated 2025-05-11.

Conditions:
Inborn genetic diseases. Identifiers: MedGen C0950123, MeSH D030342.

Allele frequency attached by ClinVar (database versions not stated): gnomAD 0.00002; gnomAD exomes 0.00003 and 0.00006; TOPMed 0.00003; ExAC 0.00010; ESP Exome Variant Server 0.00015.

Submissions (3):

Ambry Genetics
Classification: Uncertain significance for Inborn genetic diseases. Last evaluated: 2025-05-11. Review status: criteria provided, single submitter. Criteria: Ambry Variant Classification Scheme 2023. Collection method: clinical testing. Allele origin: germline.

Labcorp Genetics (formerly Invitae), Labcorp
Classification: Uncertain significance. Last evaluated: 2022-05-10. Review status: criteria provided, single submitter. Criteria: Invitae Variant Classification Sherloc (09022015). Collection method: clinical testing. Allele origin: germline.
Comment: This sequence change replaces valine, which is neutral and non-polar, with isoleucine, which is neutral and non-polar, at codon 1721 of the TUBGCP6 protein (p.Val1721Ile). This variant is present in population databases (rs377506638, gnomAD 0.01%). This variant has not been reported in the literature in individuals affected with TUBGCP6-related conditions. ClinVar contains an entry for this variant (Variation ID: 212514). Algorithms developed to predict the effect of missense changes on protein structure and function output the following: SIFT: "Tolerated"; PolyPhen-2: "Benign"; Align-GVGD: "Class C0". The isoleucine amino acid residue is found in multiple mammalian species, which suggests that this missense change does not adversely affect protein function. In summary, the available evidence is currently insufficient to determine the role of this variant in disease. Therefore, it has been classified as a Variant of Uncertain Significance.

Genetic Services Laboratory, University of Chicago
Classification: Uncertain significance. Last evaluated: 2014-12-23. Review status: criteria provided, single submitter. Criteria: ACMG Guidelines, 2015. Collection method: clinical testing. Allele origin: germline.